The following is an entry in ClinVar:

ClinVar aggregate classification (germline): Conflicting classifications of pathogenicity. Review status: criteria provided, conflicting classifications (1 of 4 stars). 5 submissions from 5 submitters: Uncertain significance (1); Likely benign (3). 1 of the submissions does not count toward it. Last evaluated 2025-11-17.

Conditions:
Congenital disorder of glycosylation type 1E (CDG1E). Also called: CONGENITAL DISORDER OF GLYCOSYLATION, TYPE Ie; CDG Ie. Identifiers: Orphanet 79322, MedGen C1837396, MONDO:0012123, OMIM 608799.
DPM1-related disorder. Also called: DPM1-related condition.

Allele frequency attached by ClinVar (database versions not stated): TOPMed 0.00003; ExAC 0.00004; gnomAD exomes 0.00004 and 0.00009; gnomAD 0.00006.
gnomAD v4.1: 138 of 1,613,904 alleles (0.0086%); highest among the groups gnomAD compares: Non-Finnish European, 0.011%; no homozygotes.

Submissions (5):

Labcorp Genetics (formerly Invitae), Labcorp
Classification: Likely benign for Congenital disorder of glycosylation type 1E. Last evaluated: 2025-11-17. Review status: criteria provided, single submitter. Criteria: Invitae Variant Classification Sherloc (09022015). Collection method: clinical testing. Allele origin: germline.

CeGaT Center for Human Genetics Tuebingen
Classification: Likely benign. Last evaluated: 2022-06-01. Review status: criteria provided, single submitter. Criteria: CeGaT Center For Human Genetics Tuebingen Variant Classification Criteria Version 2. Collection method: clinical testing. Allele origin: germline. Affected: yes. Observed: 1 variant allele.
Comment: DPM1: BP4, BP7

GeneDx
Classification: Likely benign. Last evaluated: 2018-01-22. Review status: criteria provided, single submitter. Criteria: GeneDx Variant Classification (06012015). Collection method: clinical testing. Allele origin: germline. Affected: yes.
Comment: This variant is considered likely benign or benign based on one or more of the following criteria: it is a conservative change, it occurs at a poorly conserved position in the protein, it is predicted to be benign by multiple in silico algorithms, and/or has population frequency not consistent with disease.

Illumina Laboratory Services, Illumina
Classification: Uncertain significance for Congenital disorder of glycosylation type 1E. Last evaluated: 2018-01-13. Review status: criteria provided, single submitter. Criteria: ICSL Variant Classification Criteria 13 December 2019. Collection method: clinical testing. Allele origin: germline.

PreventionGenetics, part of Exact Sciences
Classification: Likely benign for DPM1-related condition. Last evaluated: 2019-07-19. Review status: no assertion criteria provided. Collection method: clinical testing. Allele origin: germline. Not counted in ClinVar's aggregate classification.
Comment: This variant is classified as likely benign based on ACMG/AMP sequence variant interpretation guidelines (Richards et al. 2015 PMID: 25741868, with internal and published modifications).

NM_003859.3(DPM1):c.286T>C (p.Leu96=)

Gene: DPM1 (dolichyl-phosphate mannosyltransferase subunit 1, catalytic; minus strand). Cytogenetic location: 20q13.13.
Variant type: single nucleotide variant.
Coding change: c.286T>C on transcript NM_003859.3 (MANE Select); coding-DNA position 286, T replaced by C.
Protein change: p.Leu96=; no amino-acid change (leucine 96 retained).
Molecular consequence: synonymous variant. On other transcripts: non-coding transcript variant (1).
Genome position (GRCh38, 1-based): chr20:50,948,638, A>G on the plus strand (T>C on the coding strand, the complement: DPM1 is on the minus strand). VCF-style: chr20-50948638-A-G. GRCh37 (hg19) VCF-style: chr20-49565175-A-G.
Other names: c.286T>C, p.Leu96= (NM_001317034.1, NM_001317035.1, NM_001317036.1); c.286T>C (NM_003859.2).
Identifiers: ClinVar variation 387228 (VCV000387228.38), dbSNP rs780244460, ClinGen allele CA9909163.
Genomic context (GRCh38, chr20:50,948,638, plus strand): 5'-ATGTCACCAAGCAAGCAGCAGGTGTGAGGGGTTAGAGATTACACGACTTACCTAGTCCCA[A>G]CTTTTTCTCTCGTGGTCTTAGAAGCTGTAGGAATAAGAAATAGCATTTTACACACAGAAA-3'
Protein context (NP_003850.1, residues 86-106): RILLRPREKK[Leu96=]GLGTAYIHGM